The following is an entry in ClinVar:

ClinVar aggregate classification (germline): Uncertain significance (1 of 4 stars; one submission).

Conditions:
Emery-Dreifuss muscular dystrophy 4, autosomal dominant (EDMD4). Also called: EMERY-DREIFUSS MUSCULAR DYSTROPHY 4 WITH VARIABLE FEATURES. Identifiers: Orphanet 261, MedGen C2751807, MONDO:0013071, OMIM 612998.
Autosomal recessive ataxia, Beauce type. Also called: SYNE1-Related Autosomal Recessive Cerebellar Ataxia; Spinocerebellar ataxia, autosomal recessive 8; ATAXIA, RECESSIVE, OF BEAUCE; SYNE1 Deficiency. Identifiers: Orphanet 88644, MedGen C1853116, MONDO:0012549, OMIM 610743.

Allele frequency attached by ClinVar (database versions not stated): ExAC 0.00001; gnomAD exomes 0.00001.
gnomAD v4.1: 4 of 1,614,122 alleles (0.00025%); highest among the groups gnomAD compares: Admixed American, 0.005%; no homozygotes.

Submission:

Labcorp Genetics (formerly Invitae), Labcorp
Classification: Uncertain significance for Emery-Dreifuss muscular dystrophy 4, autosomal dominant; Autosomal recessive ataxia, Beauce type. Last evaluated: 2017-08-08. Review status: criteria provided, single submitter. Criteria: Invitae Variant Classification Sherloc (09022015). Collection method: clinical testing. Allele origin: germline.
Comment: In summary, this variant is a rare missense change with uncertain impact on protein function. There is no indication that it causes disease, but the available evidence is currently insufficient to prove that conclusively. Therefore, it has been classified as a Variant of Uncertain Significance. Algorithms developed to predict the effect of missense changes on protein structure and function do not agree on the potential impact of this missense change (SIFT: "Deleterious"; PolyPhen-2: "Benign"; Align-GVGD: "Class C0"). This variant is present in population databases (rs775185806, ExAC 0.001%) but has not been reported in the literature in individuals with a SYNE1-related disease. This sequence change replaces aspartic acid with asparagine at codon 2652 of the SYNE1 protein (p.Asp2652Asn). The aspartic acid residue is highly conserved and there is a small physicochemical difference between aspartic acid and asparagine.

NM_182961.4(SYNE1):c.7933G>A (p.Asp2645Asn)

Gene: SYNE1 (spectrin repeat containing nuclear envelope protein 1; minus strand). Cytogenetic location: 6q25.2.
Variant type: single nucleotide variant.
Coding change: c.7933G>A on transcript NM_182961.4 (MANE Select); coding-DNA position 7933, G replaced by A.
Protein change: p.Asp2645Asn; replaces aspartic acid 2645 with asparagine.
Molecular consequence: missense variant.
Genome position (GRCh38, 1-based): chr6:152,391,348, C>T on the plus strand (G>A on the coding strand, the complement: SYNE1 is on the minus strand). VCF-style: chr6-152391348-C-T. GRCh37 (hg19) VCF-style: chr6-152712483-C-T.
Other names: c.7954G>A, p.Asp2652Asn (NM_033071.5); short protein forms D2652N, D2645N.
Identifiers: ClinVar variation 471056 (VCV000471056.8), dbSNP rs775185806, ClinGen allele CA4057664.